The following is an entry in ClinVar:

ClinVar aggregate classification (germline): Conflicting classifications of pathogenicity. Review status: criteria provided, conflicting classifications (1 of 4 stars). 4 submissions from 4 submitters: Uncertain significance (2); Likely benign (1). 1 of the submissions does not count toward it. Last evaluated 2026-05-26.

Conditions:
Gastrointestinal stromal tumor. Also called: Gastrointestinal stroma tumor; Gastrointestinal stromal tumor, somatic. Identifiers: Orphanet 44890, MedGen C0238198, MeSH D046152, MONDO:0011719, OMIM 606764, HP:0100723.

Allele frequency attached by ClinVar (database versions not stated): gnomAD 0.00002; gnomAD exomes 0.00002; TOPMed 0.00002; ExAC 0.00003; ESP Exome Variant Server 0.00008.
gnomAD v4.1: 34 of 1,612,160 alleles (0.0021%); highest among the groups gnomAD compares: Non-Finnish European, 0.0028%; no homozygotes.

Submissions (4):

Myriad Genetics, Inc.
Classification: Likely benign for Gastrointestinal stromal tumor. Last evaluated: 2026-05-26. Review status: criteria provided, single submitter. Criteria: Myriad Autosomal Dominant, Autosomal Recessive and X-Linked Classification Criteria (2023). Collection method: clinical testing. Allele origin: unknown.
Comment: This variant is considered likely benign. This variant is intronic and is not expected to impact mRNA splicing. This variant has been observed at a population frequency that is significantly greater than expected given the associated disease prevalence and penetrance.

Labcorp Genetics (formerly Invitae), Labcorp
Classification: Uncertain significance for Gastrointestinal stromal tumor. Last evaluated: 2026-01-23. Review status: criteria provided, single submitter. Criteria: Invitae Variant Classification Sherloc (09022015). Collection method: clinical testing. Allele origin: germline.
Comment: This sequence change falls in intron 4 of the KIT gene. It does not directly change the encoded amino acid sequence of the KIT protein. This variant is present in population databases (rs367986084, gnomAD 0.005%). This variant has not been reported in the literature in individuals affected with KIT-related conditions. ClinVar contains an entry for this variant (Variation ID: 458969). Algorithms developed to predict the effect of sequence changes on RNA splicing suggest that this variant may disrupt the consensus splice site. In summary, the available evidence is currently insufficient to determine the role of this variant in disease. Therefore, it has been classified as a Variant of Uncertain Significance.

GeneDx
Classification: Uncertain significance. Last evaluated: 2024-06-25. Review status: criteria provided, single submitter. Criteria: GeneDx Variant Classification Process June 2021. Collection method: clinical testing. Allele origin: germline. Affected: yes.
Comment: Not observed at significant frequency in large population cohorts (gnomAD); In silico analysis supports a deleterious effect on splicing; Has not been previously published as pathogenic or benign to our knowledge

Department of Pathology and Laboratory Medicine, Sinai Health System
Classification: Uncertain significance. Review status: no assertion criteria provided. Collection method: clinical testing. Allele origin: unknown. Affected: yes. Study: The Canadian Open Genetics Repository (COGR). Not counted in ClinVar's aggregate classification.
Comment: The KIT c.757-9A>G variant was not identified in the literature nor was it identified in Cosmic or LOVD 3.0. The variant was identified in dbSNP (ID: rs367986084) and ClinVar (classified as a VUS by Invitae for gastrointestinal stomal tumor). The variant was identified in control databases in 6 of 281172 chromosomes at a frequency of 0.00002134 (Genome Aggregation Database March 6, 2019, v2.1.1). The variant was observed in the following populations: Other in 1 of 7154 chromosomes (freq: 0.00014) and European (non-Finnish) in 5 of 128344 chromosomes (freq: 0.000039), but was not observed in the African, Latino, Ashkenazi Jewish, East Asian, European (Finnish) or South Asian populations. The c.575-9A>G variant is located in the 3' splice region but does not affect the invariant -1 and -2 positions. However, positions -3 and -5 to -12 are part of the splicing consensus sequence and variants involving these positions sometimes affect splicing. In addition, three of four in silico or computational prediction software programs (SpliceSiteFinder, MaxEntScan, NNSPLICE, GeneSplicer) predict a greater than 10% difference in splicing. However this splicing prediction has not been confirmed by RNA analysis. In summary, based on the above information the clinical significance of this variant cannot be determined with certainty at this time. This variant is classified as a variant of uncertain significance.

NM_000222.3(KIT):c.757-9A>G

Gene: KIT (KIT proto-oncogene, receptor tyrosine kinase; plus strand). Cytogenetic location: 4q12.
Variant type: single nucleotide variant.
Coding change: c.757-9A>G on transcript NM_000222.3 (MANE Select); 9 bases into the intron before coding-DNA position 757, A replaced by G.
Molecular consequence: intron variant.
Genome position (GRCh38, 1-based): chr4:54,703,715, A>G. VCF-style: chr4-54703715-A-G. GRCh37 (hg19) VCF-style: chr4-55569881-A-G.
Other names: c.757-6A>G (NM_001385284.1, NM_001385290.1, NM_001385288.1 and 1 more transcripts); c.757-9A>G (NM_001385285.1, NM_001093772.2, NM_001385286.1).
Identifiers: ClinVar variation 458969 (VCV000458969.14), dbSNP rs367986084, ClinGen allele CA2923316.
Genomic context (GRCh38, chr4:54,703,715, plus strand): 5'-TAGGAAAGATTCTGAATATAAATTATATGGTAATCTTCATTTTTTTTTCTCCTTTTCTGA[A>G]ACCAGCAGACTAAACTACAGGAGAAATATAATAGCTGGCATCACGGTGACTTCAATTATG-3'